The following is an entry in ClinVar:

ClinVar aggregate classification (germline): Uncertain significance (1 of 4 stars; one submission).

Submission:

Labcorp Genetics (formerly Invitae), Labcorp
Classification: Uncertain significance. Last evaluated: 2022-11-22. Review status: criteria provided, single submitter. Criteria: Invitae Variant Classification Sherloc (09022015). Collection method: clinical testing. Allele origin: germline.
Comment: In summary, the available evidence is currently insufficient to determine the role of this variant in disease. Therefore, it has been classified as a Variant of Uncertain Significance. Algorithms developed to predict the effect of sequence changes on RNA splicing suggest that this variant may create or strengthen a splice site. Advanced modeling of protein sequence and biophysical properties (such as structural, functional, and spatial information, amino acid conservation, physicochemical variation, residue mobility, and thermodynamic stability) performed at Invitae indicates that this missense variant is not expected to disrupt LAMA5 protein function. This variant has not been reported in the literature in individuals affected with LAMA5-related conditions. This variant is not present in population databases (gnomAD no frequency). This sequence change replaces valine, which is neutral and non-polar, with phenylalanine, which is neutral and non-polar, at codon 3370 of the LAMA5 protein (p.Val3370Phe).

NM_005560.6(LAMA5):c.10108G>T (p.Val3370Phe)

Gene: LAMA5 (laminin subunit alpha 5; minus strand). Cytogenetic location: 20q13.33.
Variant type: single nucleotide variant.
Coding change: c.10108G>T on transcript NM_005560.6 (MANE Select); coding-DNA position 10108, G replaced by T.
Protein change: p.Val3370Phe; replaces valine 3370 with phenylalanine.
Molecular consequence: missense variant.
Genome position (GRCh38, 1-based): chr20:62,311,075, C>A on the plus strand (G>T on the coding strand, the complement: LAMA5 is on the minus strand). VCF-style: chr20-62311075-C-A. GRCh37 (hg19) VCF-style: chr20-60886131-C-A.
Other names: short protein forms V3370F.
Identifiers: ClinVar variation 2099840 (VCV002099840.4), dbSNP rs769092923, ClinGen allele CA409538325.
Genomic context (GRCh38, chr20:62,311,075, plus strand): 5'-GGCTGCCGGGCCTCAGACGGGCAGTGAAGAGGAGGAGGCCTCGGGAGCTTCGCGGGAGGA[C>A]GTGCATGGAGAGACTGGGCCTGGAAGCGGAGCTGGCGTCAGCCTGCGCGGCCCCTCTCAG-3'
Protein context (NP_005551.3, residues 3360-3380): HRNWPSLSMH[Val3370Phe]LPRSSRGLLL